The following is an entry in ClinVar:

NM_007055.4(POLR3A):c.1896_1897del (p.Ala633fs)

Gene: POLR3A (RNA polymerase III subunit A; minus strand). Cytogenetic location: 10q22.3.
Variant type: Microsatellite.
Coding change: c.1896_1897del on transcript NM_007055.4 (MANE Select); coding-DNA positions 1896 to 1897, 2 bases deleted (TG; older notation c.1896_1897delTG).
Protein change: p.Ala633fs; shifts the reading frame from alanine 633.
Molecular consequence: frameshift variant.
Genome position (GRCh38, 1-based): chr10:78,009,549-78,009,550, CA deleted on the plus strand (TG on the coding strand, the reverse complement: POLR3A is on the minus strand); deleting any 2 consecutive bases within chr10:78,009,549-78,009,552 gives the same sequence; the c. name uses the placement nearest the transcript's 3' end. VCF-style (leftmost placement, unchanged base first): chr10-78009548-GCA-G. GRCh37 (hg19) VCF-style: chr10-79769306-GCA-G.
Other names: short protein forms A633fs.
Identifiers: ClinVar variation 986944 (VCV000986944.7), dbSNP rs1847443896, ClinGen allele CA930227551.

ClinVar aggregate classification (germline): Pathogenic. Review status: criteria provided, multiple submitters, no conflicts (2 of 4 stars). 2 submissions from 2 submitters: Pathogenic (2). Last evaluated 2023-02-03.

Submissions (2):

Labcorp Genetics (formerly Invitae), Labcorp
Classification: Pathogenic. Last evaluated: 2023-02-03. Review status: criteria provided, single submitter. Criteria: Invitae Variant Classification Sherloc (09022015). Collection method: clinical testing. Allele origin: germline.
Comment: This sequence change creates a premature translational stop signal (p.Ala633Glnfs*2) in the POLR3A gene. It is expected to result in an absent or disrupted protein product. Loss-of-function variants in POLR3A are known to be pathogenic (PMID: 21855841, 25339210, 27612211, 30414627, 30450527). This variant is not present in population databases (gnomAD no frequency). For these reasons, this variant has been classified as Pathogenic. This variant has not been reported in the literature in individuals affected with POLR3A-related conditions.

Institute of Medical Genetics and Applied Genomics, University Hospital Tübingen
Classification: Pathogenic. Last evaluated: 2020-10-23. Review status: criteria provided, single submitter. Criteria: ACMG Guidelines, 2015. Collection method: clinical testing. Allele origin: germline. Inheritance: Autosomal recessive inheritance. Affected: yes.

Literature cited by the submitters: PubMed 21855841 (cited by Labcorp Genetics (formerly Invitae), Labcorp); PubMed 25339210 (cited by Labcorp Genetics (formerly Invitae), Labcorp); PubMed 27612211 (cited by Labcorp Genetics (formerly Invitae), Labcorp); PubMed 30414627 (cited by Labcorp Genetics (formerly Invitae), Labcorp); PubMed 30450527 (cited by Labcorp Genetics (formerly Invitae), Labcorp).